The following is an entry in ClinVar:

NM_014391.3(ANKRD1):c.263_265del (p.Glu88_Ile89delinsVal)

Gene: ANKRD1 (ankyrin repeat domain 1; minus strand). Cytogenetic location: 10q23.31.
Variant type: Deletion.
Coding change: c.263_265del on transcript NM_014391.3 (MANE Select); coding-DNA positions 263 to 265, 3 bases deleted (AAA; older notation c.263_265delAAA).
Protein change: p.Glu88_Ile89delinsVal.
Molecular consequence: inframe indel.
Genome position (GRCh38, 1-based): chr10:90,919,211-90,919,213, TTT deleted on the plus strand (AAA on the coding strand, the reverse complement: ANKRD1 is on the minus strand). VCF-style (leftmost placement, unchanged base first): chr10-90919210-ATTT-A. GRCh37 (hg19) VCF-style: chr10-92678967-ATTT-A.
Identifiers: ClinVar variation 3543141 (VCV003543141.1).

ClinVar aggregate classification (germline): Uncertain significance (1 of 4 stars; one submission).

Conditions:
Cardiovascular phenotype. Identifiers: MedGen CN230736.

Submission:

Ambry Genetics
Classification: Uncertain significance for Cardiovascular phenotype. Last evaluated: 2024-11-19. Review status: criteria provided, single submitter. Criteria: Ambry Variant Classification Scheme 2023. Collection method: clinical testing. Allele origin: germline.
Comment: The c.263_265delAAA variant (also known as p.E88_I89delinsV), located in coding exon 3 of the ANKRD1 gene, results from an in-frame AAA deletion at nucleotide positions 263 to 265. The glutamic acid and isoleucine residues at codons 88 and 89, respectively, are replaced by valine. These amino acid positions are not well conserved in available vertebrate species. In addition, this alteration is predicted to be deleterious by in silico analysis (Choi Y et al. PLoS ONE. 2012; 7(10):e46688). The evidence for this gene-disease relationship is limited; therefore, the clinical significance of this alteration is unclear.